The following is an entry in ClinVar:

NM_003036.4(SKI):c.68A>C (p.Gln23Pro)

Gene: SKI (SKI proto-oncogene; plus strand). Cytogenetic location: 1p36.33.
Variant type: single nucleotide variant.
Coding change: c.68A>C on transcript NM_003036.4 (MANE Select); coding-DNA position 68, A replaced by C.
Protein change: p.Gln23Pro; replaces glutamine 23 with proline.
Molecular consequence: missense variant.
Genome position (GRCh38, 1-based): chr1:2,228,834, A>C. VCF-style: chr1-2228834-A-C. GRCh37 (hg19) VCF-style: chr1-2160273-A-C.
Other names: short protein forms Q23P.
Identifiers: ClinVar variation 570752 (VCV000570752.9), dbSNP rs1557806222, ClinGen allele CA337952018.

ClinVar aggregate classification (germline): Conflicting classifications of pathogenicity. Review status: criteria provided, conflicting classifications (1 of 4 stars). 2 submissions from 2 submitters: Likely pathogenic (1); Uncertain significance (1). Last evaluated 2025-08-18.

Conditions:
Shprintzen-Goldberg syndrome (SGS). Also called: SHPRINTZEN-GOLDBERG CRANIOSYNOSTOSIS SYNDROME; CRANIOSYNOSTOSIS WITH ARACHNODACTYLY AND ABDOMINAL HERNIAS; Marfanoid disorder with craniosynostosis type 1; Marfanoid craniosynostosis syndrome; Shprintzen-Goldberg marfanoid syndrome. Identifiers: Orphanet 2462, MedGen C1321551, MONDO:0008426, OMIM 182212.

Submissions (2):

3billion
Classification: Uncertain significance for Shprintzen-Goldberg syndrome. Last evaluated: 2025-08-18. Review status: criteria provided, single submitter. Criteria: ACMG Guidelines, 2015. Collection method: clinical testing. Allele origin: germline. Affected: yes.
Comment: The variant is not observed in the gnomAD v4.1.0 dataset. Predicted Consequence/Location: Missense variant. Missense changes are a common disease-causing mechanism. In silico tool predictions suggest damaging effect of the variant on gene or gene product [REVEL: 0.66 (>=0.6, sensitivity 0.68 and specificity 0.92); 3Cnet: 0.99 (> 0.75, sensitivity 0.96 and precision 0.92)]. The same nucleotide change resulting in the same amino acid change has been previously reported to be associated with SKI-related disorder (ClinVar ID: VCV000570752). However, the evidence of pathogenicity is insufficient at this time. Therefore, this variant is classified as VUS according to the recommendation of ACMG/AMP guideline.

Labcorp Genetics (formerly Invitae), Labcorp
Classification: Likely pathogenic for Shprintzen-Goldberg syndrome. Last evaluated: 2018-05-17. Review status: criteria provided, single submitter. Criteria: Invitae Variant Classification Sherloc (09022015). Collection method: clinical testing. Allele origin: germline.
Comment: This sequence change replaces glutamine with proline at codon 23 of the SKI protein (p.Gln23Pro). The glutamine residue is moderately conserved and there is a moderate physicochemical difference between glutamine and proline. In summary, the currently available evidence indicates that the variant is pathogenic, but additional data are needed to prove that conclusively. Therefore, this variant has been classified as Likely Pathogenic. Algorithms developed to predict the effect of missense changes on protein structure and function are either unavailable or do not agree on the potential impact of this missense change (SIFT: "Deleterious"; PolyPhen-2: "Benign"; Align-GVGD: "Class C0"). This variant is not present in population databases (ExAC no frequency).